The following is an entry in ClinVar:

ClinVar aggregate classification (germline): Uncertain significance (1 of 4 stars; one submission).

Conditions:
Developmental and epileptic encephalopathy 94 (DEE94). Also called: CHD2-Related Neurodevelopmental Disorders; Epileptic encephalopathy, childhood-onset. Identifiers: Orphanet 1942, Orphanet 2382, MedGen C3809278, MONDO:0014150, OMIM 615369.

Submission:

Labcorp Genetics (formerly Invitae), Labcorp
Classification: Uncertain significance for Developmental and epileptic encephalopathy 94. Last evaluated: 2018-09-14. Review status: criteria provided, single submitter. Criteria: Invitae Variant Classification Sherloc (09022015). Collection method: clinical testing. Allele origin: germline.
Comment: In summary, the available evidence is currently insufficient to determine the role of this variant in disease. Therefore, it has been classified as a Variant of Uncertain Significance. Nucleotide substitutions within the consensus splice site are a relatively common cause of aberrant splicing (PMID: 17576681, 9536098). Algorithms developed to predict the effect of sequence changes on RNA splicing suggest that this variant may disrupt the consensus splice site, but this prediction has not been confirmed by published transcriptional studies. Experimental studies and prediction algorithms are not available for this variant, and the functional significance of the affected amino acid(s) is currently unknown. This variant has not been reported in the literature in individuals with CHD2-related disease. This variant is not present in population databases (ExAC no frequency). This sequence change deletes 7 nucleotides and inserts 1 nucleotide in exon 37 of the CHD2 gene(c.4900_4906delinsT). This is predicted to result in a deletion of 3 amino acid residues and insertion of 1 amino acid residue in the CHD2 protein (p.Asn1634_Asp1636delinsTyr) but otherwise preserves the integrity of the reading frame. This variant also affects the last nucleotide of exon 37 of the CHD2 coding sequence, which is part of the consensus splice site for this exon.

Literature cited by the submitters: PubMed 17576681; PubMed 9536098.

NM_001271.4(CHD2):c.4900_4906delinsT (p.Asn1634_Asp1636delinsTyr)

Gene: CHD2 (chromodomain helicase DNA binding protein 2; plus strand). Cytogenetic location: 15q26.1.
Variant type: Indel.
Coding change: c.4900_4906delinsT on transcript NM_001271.4 (MANE Select); coding-DNA positions 4900 to 4906, AATGCAG replaced by T.
Protein change: p.Asn1634_Asp1636delinsTyr.
Molecular consequence: inframe indel.
Genome position (GRCh38, 1-based): chr15:93,014,903-93,014,909, AATGCAG replaced by T. VCF-style: chr15-93014903-AATGCAG-T. GRCh37 (hg19) VCF-style: chr15-93558133-AATGCAG-T.
Identifiers: ClinVar variation 474394 (VCV000474394.7), dbSNP rs1555445701, ClinGen allele CA658658329.